The following is an entry in ClinVar:

NM_017636.4(TRPM4):c.3535-2A>C

Gene: TRPM4 (transient receptor potential cation channel subfamily M member 4; plus strand). Cytogenetic location: 19q13.33.
Variant type: single nucleotide variant.
Coding change: c.3535-2A>C on transcript NM_017636.4 (MANE Select); the canonical splice acceptor site of the intron before coding-DNA position 3535, A replaced by C.
Molecular consequence: splice acceptor variant.
Genome position (GRCh38, 1-based): chr19:49,211,162, A>C. VCF-style: chr19-49211162-A-C. GRCh37 (hg19) VCF-style: chr19-49714419-A-C.
Other names: c.3100-2A>C (NM_001195227.2); c.1927-2A>C (NM_001321282.2); c.3190-2A>C (NM_001321281.2); c.3013-2A>C (NM_001321283.2); c.2473-2A>C (NM_001321285.2).
Identifiers: ClinVar variation 1732395 (VCV001732395.2), dbSNP rs2514244863, ClinGen allele CA406773545.
Genomic context (GRCh38, chr19:49,211,162, plus strand): 5'-CCTGGCTGGGGGACTGTGGCAGGGGTCCCATCTCCCGCTCTGACATTCCTCCCATTCCGC[A>C]GGTCCAGCAGTGTAGCCGCGTCCTGGGGTGGGTGGCCGAGGCCCTGAGCCGCTCTGCCTT-3'

ClinVar aggregate classification (germline): Uncertain significance (1 of 4 stars; one submission).

Conditions:
Cardiovascular phenotype. Identifiers: MedGen CN230736.

Submission:

Ambry Genetics
Classification: Uncertain significance for Cardiovascular phenotype. Last evaluated: 2018-09-20. Review status: criteria provided, single submitter. Criteria: Ambry Variant Classification Scheme 2023. Collection method: clinical testing. Allele origin: germline.
Comment: The c.3535-2A>C intronic variant results from an A to C substitution two nucleotides upstream from coding exon 24 in the TRPM4 gene. This nucleotide position is highly conserved in available vertebrate species. Using the BDGP and ESEfinder splice site prediction tools, this alteration is predicted to abolish the native splice acceptor site; however, direct evidence is unavailable. Alterations that disrupt the canonical splice site are expected to cause aberrant splicing, resulting in an abnormal protein or a transcript that is subject to nonsense-mediated mRNA decay. However, loss of function of TRPM4 has not been clearly established as a mechanism of disease. Since supporting evidence is limited at this time, the clinical significance of this alteration remains unclear.